The following is an entry in ClinVar:

NM_001002295.2(GATA3):c.492C>T (p.Asp164=)

Gene: GATA3 (GATA binding protein 3; plus strand). Cytogenetic location: 10p14.
Variant type: single nucleotide variant.
Coding change: c.492C>T on transcript NM_001002295.2 (MANE Select); coding-DNA position 492, C replaced by T.
Protein change: p.Asp164=; no amino-acid change (aspartic acid 164 retained).
Molecular consequence: synonymous variant.
Genome position (GRCh38, 1-based): chr10:8,058,555, C>T. VCF-style: chr10-8058555-C-T. GRCh37 (hg19) VCF-style: chr10-8100518-C-T.
Other names: c.492C>T, p.Asp164= (NM_002051.3).
Identifiers: ClinVar variation 878526 (VCV000878526.6), dbSNP rs1832688600, ClinGen allele CA468400768.

ClinVar aggregate classification (germline): Uncertain significance. Review status: criteria provided, single submitter (1 of 4 stars). 2 submissions from 2 submitters: Uncertain significance (1). 1 of the submissions does not count toward it. Last evaluated 2018-01-13.

Conditions:
GATA3-related disorder. Also called: GATA3-related condition.
Hypoparathyroidism, deafness, renal disease syndrome (HDRS). Also called: HYPOPARATHYROIDISM, SENSORINEURAL DEAFNESS, AND RENAL DYSPLASIA SYNDROME. Identifiers: Orphanet 2237, MedGen C1840333, MONDO:0007797, OMIM 146255.

Allele frequency attached by ClinVar (database versions not stated): gnomAD 0.00001; gnomAD exomes 0.00001.
gnomAD v4.1: 10 of 1,612,462 alleles (0.00062%); highest among the groups gnomAD compares: Middle Eastern, 0.016%; 2 homozygotes.

Submissions (2):

Illumina Laboratory Services, Illumina
Classification: Uncertain significance for Hypoparathyroidism, deafness, renal disease syndrome. Last evaluated: 2018-01-13. Review status: criteria provided, single submitter. Criteria: ICSL Variant Classification Criteria 13 December 2019. Collection method: clinical testing. Allele origin: germline.

PreventionGenetics, part of Exact Sciences
Classification: Likely benign for GATA3-related condition. Last evaluated: 2022-06-27. Review status: no assertion criteria provided. Collection method: clinical testing. Allele origin: germline. Not counted in ClinVar's aggregate classification.
Comment: This variant is classified as likely benign based on ACMG/AMP sequence variant interpretation guidelines (Richards et al. 2015 PMID: 25741868, with internal and published modifications).